The following is an entry in ClinVar:

NM_001267550.2(TTN):c.101655G>T (p.Met33885Ile)

Genes: TTN (titin; minus strand), TTN-AS1 (TTN antisense RNA 1; plus strand). Cytogenetic location: 2q31.2.
Variant type: single nucleotide variant.
Coding change: c.101655G>T on transcript NM_001267550.2 (MANE Select); coding-DNA position 101655, G replaced by T.
Protein change: p.Met33885Ile; replaces methionine 33885 with isoleucine.
Molecular consequence: missense variant.
Genome position (GRCh38, 1-based): chr2:178,534,960, C>A on the plus strand (G>T on the coding strand, the complement: TTN is on the minus strand). VCF-style: chr2-178534960-C-A. GRCh37 (hg19) VCF-style: chr2-179399687-C-A.
Other names: c.96732G>T, p.Met32244Ile (NM_001256850.1); c.74460G>T, p.Met24820Ile (NM_003319.4); c.93951G>T, p.Met31317Ile (NM_133378.4); c.74835G>T, p.Met24945Ile (NM_133432.3); c.75036G>T, p.Met25012Ile (NM_133437.4); short protein forms M31317I, M33885I, M24820I, M24945I, M25012I, M32244I.
Identifiers: ClinVar variation 940634 (VCV000940634.9), dbSNP rs777177959, ClinGen allele CA349420022.
Genomic context (GRCh38, chr2:178,534,960, plus strand): 5'-GTTAATGCGCTCAAATATGTCAAGTCCTGATATAAACTCAAAGATCATAACTAATTCTTC[C>A]ATGCTTTCAAATGATTCATGGAGGTGTAAGATGTTTCTATGCCTAGCAATATTCAGAATG-3'
Protein context (NP_001254479.2, residues 33875-33895): ILHLHESFES[Met33885Ile]EELVMIFEFI

ClinVar aggregate classification (germline): Uncertain significance (1 of 4 stars; one submission).

Conditions:
Dilated cardiomyopathy 1G (CMD1G). Identifiers: Orphanet 154, MedGen C1858763, MONDO:0011400, OMIM 604145.
Autosomal recessive limb-girdle muscular dystrophy type 2J (LGMDR10). Also called: Limb-girdle muscular dystrophy, type 2J; MUSCULAR DYSTROPHY, LIMB-GIRDLE, AUTOSOMAL RECESSIVE 10. Identifiers: Orphanet 140922, MedGen C1837342, MONDO:0012127, OMIM 608807.

Allele frequency attached by ClinVar (database versions not stated): gnomAD 0.00001.
gnomAD v4.1: 23 of 1,612,838 alleles (0.0014%); highest among the groups gnomAD compares: Non-Finnish European, 0.0018%; no homozygotes.

Submission:

Labcorp Genetics (formerly Invitae), Labcorp
Classification: Uncertain significance for Dilated cardiomyopathy 1G; Autosomal recessive limb-girdle muscular dystrophy type 2J. Last evaluated: 2024-10-14. Review status: criteria provided, single submitter. Criteria: Invitae Variant Classification Sherloc (09022015). Collection method: clinical testing. Allele origin: germline.
Comment: This sequence change replaces methionine, which is neutral and non-polar, with isoleucine, which is neutral and non-polar, at codon 33885 of the TTN protein (p.Met33885Ile). This variant is not present in population databases (gnomAD no frequency). This variant has not been reported in the literature in individuals affected with TTN-related conditions. ClinVar contains an entry for this variant (Variation ID: 940634). Experimental studies and prediction algorithms are not available or were not evaluated, and the functional significance of this variant is currently unknown. This variant is located in the M band of TTN (PMID: 25589632). Non-truncating variants in this region may be relevant for neuromuscular disorders, but have not been definitively shown to cause cardiomyopathy (PMID: 23975875). In summary, the available evidence is currently insufficient to determine the role of this variant in disease. Therefore, it has been classified as a Variant of Uncertain Significance.

Literature cited by the submitters: PubMed 25589632; PubMed 23975875.